The following is an entry in ClinVar:

NM_001365276.2(TNXB):c.4279G>T (p.Val1427Leu)

Gene: TNXB (tenascin XB; minus strand). Cytogenetic location: 6p21.33.
Variant type: single nucleotide variant.
Coding change: c.4279G>T on transcript NM_001365276.2 (MANE Select); coding-DNA position 4279, G replaced by T.
Protein change: p.Val1427Leu; replaces valine 1427 with leucine.
Molecular consequence: missense variant.
Genome position (GRCh38, 1-based): chr6:32,079,129, C>A on the plus strand (G>T on the coding strand, the complement: TNXB is on the minus strand). VCF-style: chr6-32079129-C-A. GRCh37 (hg19) VCF-style: chr6-32046906-C-A.
Other names: c.4279G>T, p.Val1427Leu (NM_019105.8); short protein forms V1427L.
Identifiers: ClinVar variation 1739315 (VCV001739315.2), dbSNP rs749217346, ClinGen allele CA3734991.

ClinVar aggregate classification (germline): Uncertain significance (1 of 4 stars; one submission).

Conditions:
Cardiovascular phenotype. Identifiers: MedGen CN230736.

gnomAD v4.1: 8 of 1,613,850 alleles (0.0005%); highest among the groups gnomAD compares: South Asian, 0.0044%; no homozygotes.

Submission:

Ambry Genetics
Classification: Uncertain significance for Cardiovascular phenotype. Last evaluated: 2019-08-10. Review status: criteria provided, single submitter. Criteria: Ambry Variant Classification Scheme 2023. Collection method: clinical testing. Allele origin: germline.
Comment: The p.V1427L variant (also known as c.4279G>T), located in coding exon 10 of the TNXB gene, results from a G to T substitution at nucleotide position 4279. The valine at codon 1427 is replaced by leucine, an amino acid with highly similar properties. This amino acid position is not well conserved in available vertebrate species. In addition, this alteration is predicted to be tolerated by in silico analysis. Since supporting evidence is limited at this time, the clinical significance of this alteration remains unclear.